The following is an entry in ClinVar:

ClinVar aggregate classification (germline): Likely pathogenic (1 of 4 stars; one submission).

Conditions:
Marfan Syndrome/Loeys-Dietz Syndrome/Familial Thoracic Aortic Aneurysms and Dissections. Identifiers: MedGen CN229799.

Submission:

Women's Health and Genetics/Laboratory Corporation of America, LabCorp
Classification: Likely pathogenic for Marfan Syndrome/Loeys-Dietz Syndrome/Familial Thoracic Aortic Aneurysms and Dissections. Last evaluated: 2020-02-18. Review status: criteria provided, single submitter. Criteria: LabCorp Variant Classification Summary - May 2015. Collection method: clinical testing. Allele origin: germline.
Comment: Variant summary: FBN1 c.5521_5528delTTCACCTC (p.Phe1841HisfsX6) results in a premature termination codon, predicted to cause a truncation of the encoded protein or absence of the protein due to nonsense mediated decay, which are commonly known mechanisms for disease. Truncations downstream of this position have been classified as pathogenic by our laboratory. The variant was absent in 251260 control chromosomes (gnomAD). To our knowledge, there are no reports of c.5521_5528delTTCACCTC in individuals affected with Marfan Syndrome and no experimental evidence demonstrating an impact on protein function. No other clinical diagnostic laboratories have submitted clinical-significance assessments for this variant to ClinVar after 2014. Based on the evidence outlined above, the variant was classified as likely pathogenic.

Literature cited by the submitters: PubMed 27906200.

NM_000138.5(FBN1):c.5521_5528del (p.Phe1841fs)

Gene: FBN1 (fibrillin 1; minus strand). Cytogenetic location: 15q21.1.
Variant type: Deletion.
Coding change: c.5521_5528del on transcript NM_000138.5 (MANE Select); coding-DNA positions 5521 to 5528, 8 bases deleted (TTCACCTC; older notation c.5521_5528delTTCACCTC).
Protein change: p.Phe1841fs; shifts the reading frame from phenylalanine 1841.
Molecular consequence: frameshift variant.
Genome position (GRCh38, 1-based): chr15:48,452,579-48,452,586, GAGGTGAA deleted on the plus strand (TTCACCTC on the coding strand, the reverse complement: FBN1 is on the minus strand); deleting any 8 consecutive bases within chr15:48,452,579-48,452,587 gives the same sequence; the c. name uses the placement nearest the transcript's 3' end. VCF-style (leftmost placement, unchanged base first): chr15-48452578-GGAGGTGAA-G. GRCh37 (hg19) VCF-style: chr15-48744775-GGAGGTGAA-G.
Other names: c.5521_5528delTTCACCTC (NM_000138.4); short protein forms F1841fs.
Identifiers: ClinVar variation 36088 (VCV000036088.3), dbSNP rs193922212, ClinGen allele CA015869.